The following is an entry in ClinVar:

ClinVar aggregate classification (germline): Uncertain significance (1 of 4 stars; one submission).

Conditions:
Cardiovascular phenotype. Identifiers: MedGen CN230736.

Submission:

Ambry Genetics
Classification: Uncertain significance for Cardiovascular phenotype. Last evaluated: 2025-08-30. Review status: criteria provided, single submitter. Criteria: Ambry Variant Classification Scheme 2023. Collection method: clinical testing. Allele origin: germline.
Comment: The p.K128E variant (also known as c.382A>G), located in coding exon 2 of the FLNC gene, results from an A to G substitution at nucleotide position 382. The lysine at codon 128 is replaced by glutamic acid, an amino acid with similar properties. This amino acid position is conserved. In addition, this alteration is predicted to be deleterious by in silico analysis. Based on the available evidence, the clinical significance of this variant remains unclear.

NM_001458.5(FLNC):c.382A>G (p.Lys128Glu)

Gene: FLNC (filamin C; plus strand). Cytogenetic location: 7q32.1.
Variant type: single nucleotide variant.
Coding change: c.382A>G on transcript NM_001458.5 (MANE Select); coding-DNA position 382, A replaced by G.
Protein change: p.Lys128Glu; replaces lysine 128 with glutamic acid.
Molecular consequence: missense variant.
Genome position (GRCh38, 1-based): chr7:128,835,355, A>G. VCF-style: chr7-128835355-A-G. GRCh37 (hg19) VCF-style: chr7-128475409-A-G.
Other names: c.382A>G, p.Lys128Glu (NM_001127487.2); short protein forms K128E.
Identifiers: ClinVar variation 4258294 (VCV004258294.1).
Genomic context (GRCh38, chr7:128,835,355, plus strand): 5'-CCTGAGCCCGTCTGTGCCCTCCCCTCTGCAGACAGCAAGGCCATCGTGGATGGGAACCTG[A>G]AGCTGATCCTGGGCCTGATCTGGACGCTGATCCTGCACTACTCCATCTCCATGCCCATGT-3'
Protein context (NP_001449.3, residues 118-138): DSKAIVDGNL[Lys128Glu]LILGLIWTLI